The following is an entry in ClinVar:

NM_007327.4(GRIN1):c.640del (p.Leu214fs)

Gene: GRIN1 (glutamate ionotropic receptor NMDA type subunit 1; plus strand). Cytogenetic location: 9q34.3.
Variant type: Deletion.
Coding change: c.640del on transcript NM_007327.4 (MANE Select); coding-DNA position 640, one base deleted (C; older notation c.640delC).
Protein change: p.Leu214fs; shifts the reading frame from leucine 214.
Molecular consequence: frameshift variant.
Genome position (GRCh38, 1-based): chr9:137,149,078, C deleted. VCF-style (leftmost placement, unchanged base first): chr9-137149077-GC-G. GRCh37 (hg19) VCF-style: chr9-140043529-GC-G.
Other names: c.640del, p.Leu214fs (NM_000832.7, NM_021569.4); c.703del, p.Leu235fs (NM_001185090.2, NM_001185091.2, NM_001437330.1 and 1 more transcripts); short protein forms L214fs, L235fs.
Identifiers: ClinVar variation 4774289 (VCV004774289.1).
Genomic context (GRCh38, chr9:137,149,077, plus strand): 5'-GGTGCTGCAGTTTGACCCAGGGACCAAGAACGTGACGGCCCTGCTGATGGAGGCGAAAGA[GC>G]TGGAGGCCCGGGTCATCATCCTTTCTGCCAGGTGAGGCTGGGCAGGGCCCTACACACTCC-3'

ClinVar aggregate classification (germline): Pathogenic (1 of 4 stars; one submission).

Conditions:
Neurodevelopmental disorder with or without hyperkinetic movements and seizures, autosomal dominant. Also called: Intellectual disability, autosomal dominant 8. Identifiers: MedGen C3280282, MONDO:0013655, OMIM 614254.

Submission:

Labcorp Genetics (formerly Invitae), Labcorp
Classification: Pathogenic for Neurodevelopmental disorder with or without hyperkinetic movements and seizures, autosomal dominant. Last evaluated: 2025-08-03. Review status: criteria provided, single submitter. Criteria: Invitae Variant Classification Sherloc (09022015). Collection method: clinical testing. Allele origin: germline.
Comment: This sequence change creates a premature translational stop signal (p.Leu214Trpfs*25) in the GRIN1 gene. It is expected to result in an absent or disrupted protein product. Loss-of-function variants in GRIN1 are known to be pathogenic (PMID: 27164704, 35393335). This variant is not present in population databases (gnomAD no frequency). This variant has not been reported in the literature in individuals affected with GRIN1-related conditions. For these reasons, this variant has been classified as Pathogenic.

Literature cited by the submitters: PubMed 27164704; PubMed 35393335.